The following is an entry in ClinVar:

ClinVar aggregate classification (germline): Uncertain significance (1 of 4 stars; one submission).

gnomAD v4.1: 12 of 1,614,238 alleles (0.00074%); highest among the groups gnomAD compares: East Asian, 0.025%; no homozygotes.

Submission:

Labcorp Genetics (formerly Invitae), Labcorp
Classification: Uncertain significance. Last evaluated: 2026-01-18. Review status: criteria provided, single submitter. Criteria: Invitae Variant Classification Sherloc (09022015). Collection method: clinical testing. Allele origin: germline.
Comment: This sequence change replaces serine, which is neutral and polar, with asparagine, which is neutral and polar, at codon 383 of the NFE2L2 protein (p.Ser383Asn). This variant is present in population databases (rs776284782, gnomAD 0.03%). This variant has not been reported in the literature in individuals affected with NFE2L2-related conditions. Invitae Evidence Modeling of protein sequence and biophysical properties (such as structural, functional, and spatial information, amino acid conservation, physicochemical variation, residue mobility, and thermodynamic stability) indicates that this missense variant is not expected to disrupt NFE2L2 protein function with a negative predictive value of 80%. In summary, the available evidence is currently insufficient to determine the role of this variant in disease. Therefore, it has been classified as a Variant of Uncertain Significance.

NM_006164.5(NFE2L2):c.1148G>A (p.Ser383Asn)

Gene: NFE2L2 (NFE2 like bZIP transcription factor 2; minus strand). Cytogenetic location: 2q31.2.
Variant type: single nucleotide variant.
Coding change: c.1148G>A on transcript NM_006164.5 (MANE Select); coding-DNA position 1148, G replaced by A.
Protein change: p.Ser383Asn; replaces serine 383 with asparagine.
Molecular consequence: missense variant.
Genome position (GRCh38, 1-based): chr2:177,231,455, C>T on the plus strand (G>A on the coding strand, the complement: NFE2L2 is on the minus strand). VCF-style: chr2-177231455-C-T. GRCh37 (hg19) VCF-style: chr2-178096183-C-T.
Other names: c.1100G>A, p.Ser367Asn (NM_001145412.3, NM_001313900.1, NM_001313901.1); c.1079G>A, p.Ser360Asn (NM_001145413.3); c.1058G>A, p.Ser353Asn (NM_001313902.2); c.929G>A, p.Ser310Asn (NM_001313903.2); c.848G>A, p.Ser283Asn (NM_001313904.1); short protein forms S353N, S360N, S283N, S310N, S367N, S383N.
Identifiers: ClinVar variation 4703495 (VCV004703495.1).